The following is an entry in ClinVar:

NM_182961.4(SYNE1):c.9678C>T (p.Tyr3226=)

Gene: SYNE1 (spectrin repeat containing nuclear envelope protein 1; minus strand). Cytogenetic location: 6q25.2.
Variant type: single nucleotide variant.
Coding change: c.9678C>T on transcript NM_182961.4 (MANE Select); coding-DNA position 9678, C replaced by T.
Protein change: p.Tyr3226=; no amino-acid change (tyrosine 3226 retained).
Molecular consequence: synonymous variant.
Genome position (GRCh38, 1-based): chr6:152,369,101, G>A on the plus strand (C>T on the coding strand, the complement: SYNE1 is on the minus strand). VCF-style: chr6-152369101-G-A. GRCh37 (hg19) VCF-style: chr6-152690236-G-A.
Other names: c.9699C>T, p.Tyr3233= (NM_033071.5); c.9678C>T (NM_182961.2).
Identifiers: ClinVar variation 3764035 (VCV003764035.3).

ClinVar aggregate classification (germline): Likely benign. Review status: criteria provided, multiple submitters, no conflicts (2 of 4 stars). 2 submissions from 2 submitters: Likely benign (2). Last evaluated 2025-10-11.

Conditions:
Emery-Dreifuss muscular dystrophy 4, autosomal dominant (EDMD4). Also called: EMERY-DREIFUSS MUSCULAR DYSTROPHY 4 WITH VARIABLE FEATURES. Identifiers: Orphanet 261, MedGen C2751807, MONDO:0013071, OMIM 612998.
Autosomal recessive ataxia, Beauce type. Also called: SYNE1 Deficiency; Spinocerebellar ataxia, autosomal recessive 8; ATAXIA, RECESSIVE, OF BEAUCE; SYNE1-Related Autosomal Recessive Cerebellar Ataxia. Identifiers: Orphanet 88644, MedGen C1853116, MONDO:0012549, OMIM 610743.

gnomAD v4.1: 14 of 1,613,830 alleles (0.00087%); highest among the groups gnomAD compares: South Asian, 0.0055%; no homozygotes.

Submissions (2):

Labcorp Genetics (formerly Invitae), Labcorp
Classification: Likely benign for Emery-Dreifuss muscular dystrophy 4, autosomal dominant; Autosomal recessive ataxia, Beauce type. Last evaluated: 2025-10-11. Review status: criteria provided, single submitter. Criteria: Invitae Variant Classification Sherloc (09022015). Collection method: clinical testing. Allele origin: germline.

Athena Diagnostics
Classification: Likely benign. Last evaluated: 2025-06-09. Review status: criteria provided, single submitter. Criteria: Athena Diagnostics Criteria. Collection method: clinical testing. Allele origin: unknown.
Comment: Computational tools yielded predictions that this variant is unlikely to have an effect on normal RNA splicing. This nucleotide position exhibits low evolutionary conservation.